The following is an entry in ClinVar:

NM_201548.5(CERKL):c.652del (p.Glu218fs)

Gene: CERKL (CERK like autophagy regulator; minus strand). Cytogenetic location: 2q31.3.
Variant type: Deletion.
Coding change: c.652del on transcript NM_201548.5 (MANE Select); coding-DNA position 652, one base deleted (G; older notation c.652delG).
Protein change: p.Glu218fs; shifts the reading frame from glutamic acid 218.
Molecular consequence: frameshift variant. On other transcripts: intron variant (2).
Genome position (GRCh38, 1-based): chr2:181,566,083, C deleted on the plus strand (G on the coding strand, the reverse complement: CERKL is on the minus strand); the first of 2 consecutive C bases (chr2:181,566,083-181,566,084); deleting either gives the same sequence. VCF-style (leftmost placement, unchanged base first): chr2-181566082-TC-T. GRCh37 (hg19) VCF-style: chr2-182430809-TC-T.
Other names: c.652del, p.Glu218fs (NM_001030311.3); c.520del, p.Glu174fs (NM_001160277.2); c.482-16375del (NM_001030312.3); c.613+7670del (NM_001030313.3); c.652delG (NM_001030311.2); short protein forms E174fs, E218fs.
Identifiers: ClinVar variation 3241135 (VCV003241135.2), dbSNP rs1218856350.
Genomic context (GRCh38, chr2:181,566,082, plus strand): 5'-ATGATATAACATATATTGATTAATAATATAACCTACCCATCAAATCCCTGGAGTTCACAT[TC>T]CTTAAGCAGTGACAGAGCGTGCCCTTCATATTCCATTACTATTAAAAAAACACACACACA-3'

ClinVar aggregate classification (germline): Likely pathogenic. Review status: criteria provided, multiple submitters, no conflicts (2 of 4 stars). 2 submissions from 2 submitters: Likely pathogenic (2). Last evaluated 2026-01-11.

Conditions:
Retinitis pigmentosa 26 (RP26). Identifiers: Orphanet 791, MedGen C1842127, MONDO:0012024, OMIM 608380.

Submissions (2):

Natera, Inc.
Classification: Likely pathogenic for Retinitis Pigmentosa 26. Last evaluated: 2026-01-11. Review status: criteria provided, single submitter. Criteria: Natera Variant Classification Schema (03/2026). Collection method: clinical testing. Allele origin: germline.
Comment: The c.652delG variant in CERKL is a frameshift variant predicted to shift the reading frame beginning at codon 218 and leads to a stop codon 32 codons downstream. This variant is expected to result in nonsense mediated decay, truncation, or a dysfunctional protein product. This variant is rare in the general population with a frequency below the threshold expected for the associated phenotype(s). Given the available evidence, this variant is classified as Likely Pathogenic.

Baylor Genetics
Classification: Likely pathogenic for Retinitis pigmentosa 26. Last evaluated: 2023-12-10. Review status: criteria provided, single submitter. Criteria: ACMG Guidelines, 2015. Collection method: clinical testing. Allele origin: unknown.